The following is an entry in ClinVar:

NM_001166108.2(PALLD):c.1562G>A (p.Cys521Tyr)

Gene: PALLD (palladin, cytoskeletal associated protein; plus strand). Cytogenetic location: 4q32.3.
Variant type: single nucleotide variant.
Coding change: c.1562G>A on transcript NM_001166108.2 (MANE Select); coding-DNA position 1562, G replaced by A.
Protein change: p.Cys521Tyr; replaces cysteine 521 with tyrosine.
Molecular consequence: missense variant.
Genome position (GRCh38, 1-based): chr4:168,709,088, G>A. VCF-style: chr4-168709088-G-A. GRCh37 (hg19) VCF-style: chr4-169630239-G-A.
Other names: c.416G>A, p.Cys139Tyr (NM_001166109.2); c.1562G>A, p.Cys521Tyr (NM_016081.4); short protein forms C139Y, C521Y.
Identifiers: ClinVar variation 1775291 (VCV001775291.3), dbSNP rs990282326, ClinGen allele CA110496994.
Genomic context (GRCh38, chr4:168,709,088, plus strand): 5'-AGGAGATTTGCACCCTAGTTATCGCTGAGACTTTCCCTGAAGATGCAGGGATCTTTACAT[G>A]TTCAGCAAGAAATGATTATGGATCAGCAACCAGCACTGCCCAGCTGGTTGTCACCTCAGG-3'
Protein context (NP_001159580.1, residues 511-531): TFPEDAGIFT[Cys521Tyr]SARNDYGSAT

ClinVar aggregate classification (germline): Uncertain significance (1 of 4 stars; one submission).

Submission:

Ambry Genetics
Classification: Uncertain significance. Last evaluated: 2022-04-19. Review status: criteria provided, single submitter. Criteria: Ambry Variant Classification Scheme 2023. Collection method: clinical testing. Allele origin: germline.
Comment: The p.C521Y variant (also known as c.1562G>A), located in coding exon 8 of the PALLD gene, results from a G to A substitution at nucleotide position 1562. The cysteine at codon 521 is replaced by tyrosine, an amino acid with highly dissimilar properties. This amino acid position is conserved. In addition, this alteration is predicted to be deleterious by in silico analysis. Since supporting evidence is limited at this time, the clinical significance of this alteration remains unclear.